The following is an entry in ClinVar:

ClinVar aggregate classification (germline): Uncertain significance. Review status: criteria provided, multiple submitters, no conflicts (2 of 4 stars). 3 submissions from 3 submitters: Uncertain significance (3). Last evaluated 2025-12-13.

Conditions:
Cardiofaciocutaneous syndrome 1 (CFC1). Also called: BRAF-Related Cardiofaciocutaneous Syndrome; MAP2K1-Related Cardiofaciocutaneous Syndrome; KRAS-Related Cardiofaciocutaneous Syndrome; MAP2K2-Related Cardiofaciocutaneous Syndrome. Identifiers: Orphanet 1340, MedGen CN029449, MONDO:0007265, OMIM 115150. Disease mechanism: gain of function.
Melanoma, cutaneous malignant, susceptibility to, 1 (CMM1). Also called: B-K MOLE SYNDROME; DYSPLASTIC NEVUS SYNDROME, HEREDITARY; FAMILIAL ATYPICAL MOLE-MALIGNANT MELANOMA SYNDROME; MELANOMA, MALIGNANT. Identifiers: Orphanet 618, MedGen C1835047, MONDO:0007963, OMIM 155600.
Lung cancer. Also called: Lung cancer, somatic; Malignant tumor of lung. Identifiers: MedGen C0242379, MONDO:0008903, OMIM 211980.
Colorectal cancer. Also called: Colorectal cancer, somatic; Malignant Colorectal Neoplasm. Identifiers: MedGen C0346629, MONDO:0005575, OMIM 114500.
Noonan syndrome 7 (NS7). Also called: BRAF-Related Noonan Syndrome. Identifiers: Orphanet 648, MedGen C3150970, MONDO:0013379, OMIM 613706.
LEOPARD syndrome 3 (LPRD3). Identifiers: Orphanet 500, MedGen C3150971, MONDO:0013380, OMIM 613707.
RASopathy. Also called: Noonan spectrum disorder; rasopathies. Identifiers: Orphanet 536391, MedGen C5555857, MONDO:0021060.

Allele frequency attached by ClinVar (database versions not stated): gnomAD exomes below 0.00001; TOPMed below 0.00001.
gnomAD v4.1: 1 of 1,614,108 alleles (0.000062%); highest among the groups gnomAD compares: African/African-American, 0.0013%; no homozygotes.

Submissions (3):

Labcorp Genetics (formerly Invitae), Labcorp
Classification: Uncertain significance for RASopathy. Last evaluated: 2025-12-13. Review status: criteria provided, single submitter. Criteria: Invitae Variant Classification Sherloc (09022015). Collection method: clinical testing. Allele origin: germline.
Comment: This sequence change replaces serine, which is neutral and polar, with asparagine, which is neutral and polar, at codon 87 of the BRAF protein (p.Ser87Asn). This variant is not present in population databases (gnomAD no frequency). This variant has not been reported in the literature in individuals affected with BRAF-related conditions. ClinVar contains an entry for this variant (Variation ID: 1219871). Invitae Evidence Modeling of protein sequence and biophysical properties (such as structural, functional, and spatial information, amino acid conservation, physicochemical variation, residue mobility, and thermodynamic stability) indicates that this missense variant is expected to disrupt BRAF protein function with a positive predictive value of 95%. In summary, the available evidence is currently insufficient to determine the role of this variant in disease. Therefore, it has been classified as a Variant of Uncertain Significance.

Fulgent Genetics
Classification: Uncertain significance for Colorectal cancer; Cardiofaciocutaneous syndrome 1; Melanoma, cutaneous malignant, susceptibility to, 1; Lung cancer; Noonan syndrome 7; LEOPARD syndrome 3. Last evaluated: 2024-01-04. Review status: criteria provided, single submitter. Criteria: ACMG Guidelines, 2015. Collection method: clinical testing. Allele origin: germline.

GeneDx
Classification: Uncertain significance. Last evaluated: 2019-10-31. Review status: criteria provided, single submitter. Criteria: GeneDx Variant Classification Process June 2021. Collection method: clinical testing. Allele origin: germline. Affected: yes.
Comment: Has not been previously published as pathogenic or benign to our knowledge; Not observed in large population cohorts (Lek et al., 2016); The majority of missense variants in this gene are considered pathogenic (Stenson et al., 2014); In silico analysis, which includes protein predictors and evolutionary conservation, supports that this variant does not alter protein structure/function

NM_004333.6(BRAF):c.260G>A (p.Ser87Asn)

Gene: BRAF (B-Raf proto-oncogene, serine/threonine kinase; minus strand). Cytogenetic location: 7q34.
Variant type: single nucleotide variant.
Coding change: c.260G>A on transcript NM_004333.6 (MANE Select); coding-DNA position 260, G replaced by A.
Protein change: p.Ser87Asn; replaces serine 87 with asparagine.
Molecular consequence: missense variant. On other transcripts: intron variant (1).
Genome position (GRCh38, 1-based): chr7:140,834,853, C>T on the plus strand (G>A on the coding strand, the complement: BRAF is on the minus strand). VCF-style: chr7-140834853-C-T. GRCh37 (hg19) VCF-style: chr7-140534653-C-T.
Other names: c.260G>A, p.Ser87Asn (NM_001354609.2, NM_001374244.1, NM_001374258.1 and 5 more transcripts); c.158G>A, p.Ser53Asn (NM_001378470.1); c.104G>A, p.Ser35Asn (NM_001378472.1, NM_001378473.1); c.240+15258G>A (NM_001378475.1); short protein forms S35N, S53N, S87N.
Identifiers: ClinVar variation 1219871 (VCV001219871.8), dbSNP rs1033856250, ClinGen allele CA168127419.